The following is an entry in ClinVar:

ClinVar aggregate classification (germline): Uncertain significance. Review status: criteria provided, multiple submitters, no conflicts (2 of 4 stars). 2 submissions from 2 submitters: Uncertain significance (2). Last evaluated 2025-09-10.

Allele frequency attached by ClinVar (database versions not stated): ExAC 0.00002; gnomAD 0.00002; TOPMed 0.00002; gnomAD exomes 0.00003; ESP Exome Variant Server 0.00008.
gnomAD v4.1: 49 of 1,604,392 alleles (0.0031%); highest among the groups gnomAD compares: Non-Finnish European, 0.0035%; no homozygotes.

Submissions (2):

Ambry Genetics
Classification: Uncertain significance. Last evaluated: 2025-09-10. Review status: criteria provided, single submitter. Criteria: Ambry Variant Classification Scheme 2023. Collection method: clinical testing. Allele origin: germline.

Labcorp Genetics (formerly Invitae), Labcorp
Classification: Uncertain significance. Last evaluated: 2023-11-12. Review status: criteria provided, single submitter. Criteria: Invitae Variant Classification Sherloc (09022015). Collection method: clinical testing. Allele origin: germline.
Comment: This sequence change replaces serine, which is neutral and polar, with alanine, which is neutral and non-polar, at codon 158 of the PRPF4 protein (p.Ser158Ala). This variant is present in population databases (rs368993641, gnomAD 0.002%). This variant has not been reported in the literature in individuals affected with PRPF4-related conditions. An algorithm developed to predict the effect of missense changes on protein structure and function (PolyPhen-2) suggests that this variant is likely to be tolerated. In summary, the available evidence is currently insufficient to determine the role of this variant in disease. Therefore, it has been classified as a Variant of Uncertain Significance.

NM_001244926.2(PRPF4):c.469T>G (p.Ser157Ala)

Gene: PRPF4 (pre-mRNA splicing tri-snRNP complex factor PRPF4; plus strand). Cytogenetic location: 9q32.
Variant type: single nucleotide variant.
Coding change: c.469T>G on transcript NM_001244926.2 (MANE Select); coding-DNA position 469, T replaced by G.
Protein change: p.Ser157Ala; replaces serine 157 with alanine.
Molecular consequence: missense variant. On other transcripts: 5 prime UTR variant (2), non-coding transcript variant (2).
Genome position (GRCh38, 1-based): chr9:113,282,722, T>G. VCF-style: chr9-113282722-T-G. GRCh37 (hg19) VCF-style: chr9-116045002-T-G.
Other names: c.-297T>G (NM_001322266.2, NM_001322267.2); c.472T>G, p.Ser158Ala (NM_004697.5); c.472T>G (NM_004697.4); short protein forms S157A, S158A.
Identifiers: ClinVar variation 2914540 (VCV002914540.4), dbSNP rs368993641, ClinGen allele CA5194865.